The following is an entry in ClinVar:

ClinVar aggregate classification (germline): Uncertain significance (1 of 4 stars; one submission).

Conditions:
Familial thoracic aortic aneurysm and aortic dissection (TAAD). Also called: Thoracic aortic aneurysms and dissections. Identifiers: Orphanet 91387, MedGen C4707243, MONDO:0019625.

gnomAD v4.1: 1 of 1,603,266 alleles (0.000062%); highest among the groups gnomAD compares: Non-Finnish European, 0.000085%; no homozygotes.

Submission:

Color Diagnostics, LLC DBA Color Health
Classification: Uncertain significance for Familial thoracic aortic aneurysm and aortic dissection. Last evaluated: 2025-09-13. Review status: criteria provided, single submitter. Criteria: ACMG Guidelines, 2015. Collection method: clinical testing. Allele origin: germline.
Comment: This missense variant replaces isoleucine with valine at codon 1929 of the FBN1 protein. Computational prediction suggests that this variant may not impact protein structure and function. To our knowledge, functional studies have not been reported for this variant. This variant has not been reported in individuals affected with FBN1-related disorders in the literature. This variant has been identified in 1/251074 chromosomes in the general population by the Genome Aggregation Database (gnomAD). The available evidence is insufficient to determine the role of this variant in disease conclusively. Therefore, this variant is classified as a Variant of Uncertain Significance.

NM_000138.5(FBN1):c.5785A>G (p.Ile1929Val)

Gene: FBN1 (fibrillin 1; minus strand). Cytogenetic location: 15q21.1.
Variant type: single nucleotide variant.
Coding change: c.5785A>G on transcript NM_000138.5 (MANE Select); coding-DNA position 5785, A replaced by G.
Protein change: p.Ile1929Val; replaces isoleucine 1929 with valine.
Molecular consequence: missense variant.
Genome position (GRCh38, 1-based): chr15:48,446,709, T>C on the plus strand (A>G on the coding strand, the complement: FBN1 is on the minus strand). VCF-style: chr15-48446709-T-C. GRCh37 (hg19) VCF-style: chr15-48738906-T-C.
Other names: c.5785A>G, p.Ile1929Val (NM_001406716.1); short protein forms I1929V.
Identifiers: ClinVar variation 4757812 (VCV004757812.1).
Genomic context (GRCh38, chr15:48,446,709, plus strand): 5'-ACAAAGAACACATATAAAACTGACTTCCTTTGCTGATGCACAATTTTGCACACGCACCTA[T>C]ACAGTCATTGTTGTGAGAAAGGATGAAACCATGATTGCAGCGGCAGTTGAAGGAACCAAT-3'
Protein context (NP_000129.3, residues 1919-1939): GFILSHNNDC[Ile1929Val]DVDECASGNG